The following is an entry in ClinVar:

NM_000257.4(MYH7):c.2967_2968delinsCC (p.Ala990Pro)

Gene: MYH7 (myosin heavy chain 7; minus strand). Cytogenetic location: 14q11.2.
Variant type: Indel.
Coding change: c.2967_2968delinsCC on transcript NM_000257.4 (MANE Select); coding-DNA positions 2967 to 2968, TG replaced by CC.
Protein change: p.Ala990Pro; replaces alanine 990 with proline.
Molecular consequence: missense variant.
Genome position (GRCh38, 1-based): chr14:23,423,678-23,423,679, CA replaced by GG on the plus strand (TG replaced by CC on the coding strand, the reverse complement: MYH7 is on the minus strand). VCF-style: chr14-23423678-CA-GG. GRCh37 (hg19) VCF-style: chr14-23892887-CA-GG.
Other names: c.2967_2968delinsCC, p.Ala990Pro (NM_001407004.1); short protein forms A990P.
Identifiers: ClinVar variation 2757321 (VCV002757321.3), dbSNP rs2502278155, ClinGen allele CA2697553843.
Genomic context (GRCh38, chr14:23,423,678, plus strand): 5'-GGTCATCCAGAGCCTGTTGGTGGGCCTCTTGCAGAGCTTTCTTCTCCTTGGTCAGCTTGG[CA>GG]ATGATCTCATCCAGCCCAGCCATCTCCTCTGTCAGGTTTTTCACCTGCCGACCAAGAATC-3'
Protein context (NP_000248.2, residues 980-1000): EEMAGLDEII[Ala990Pro]KLTKEKKALQ

ClinVar aggregate classification (germline): Uncertain significance (1 of 4 stars; one submission).

Conditions:
Hypertrophic cardiomyopathy. Also called: HYPERTROPHIC MYOCARDIOPATHY. Identifiers: Orphanet 217569, MedGen C0007194, MeSH D002312, MONDO:0005045, HP:0001639.

Submission:

Labcorp Genetics (formerly Invitae), Labcorp
Classification: Uncertain significance for Hypertrophic cardiomyopathy. Last evaluated: 2023-09-01. Review status: criteria provided, single submitter. Criteria: Invitae Variant Classification Sherloc (09022015). Collection method: clinical testing. Allele origin: germline.
Comment: Experimental studies and prediction algorithms are not available or were not evaluated, and the functional significance of this variant is currently unknown. This sequence change replaces alanine, which is neutral and non-polar, with proline, which is neutral and non-polar, at codon 990 of the MYH7 protein (p.Ala990Pro). Information on the frequency of this variant in the gnomAD database is not available, as this variant may be reported differently in the database. This variant has not been reported in the literature in individuals affected with MYH7-related conditions. In summary, the available evidence is currently insufficient to determine the role of this variant in disease. Therefore, it has been classified as a Variant of Uncertain Significance.